The following is an entry in ClinVar:

NM_145886.4(PIDD1):c.2022C>T (p.Arg674=)

Gene: PIDD1 (p53-induced death domain protein 1; minus strand). Cytogenetic location: 11p15.5.
Variant type: single nucleotide variant.
Coding change: c.2022C>T on transcript NM_145886.4 (MANE Select); coding-DNA position 2022, C replaced by T.
Protein change: p.Arg674=; no amino-acid change (arginine 674 retained).
Molecular consequence: synonymous variant.
Genome position (GRCh38, 1-based): chr11:800,562, G>A on the plus strand (C>T on the coding strand, the complement: PIDD1 is on the minus strand). VCF-style: chr11-800562-G-A. GRCh37 (hg19) VCF-style: chr11-800562-G-A.
Other names: c.2022C>T, p.Arg674= (NM_145887.4).
Identifiers: ClinVar variation 3048530 (VCV003048530.10), dbSNP rs147208238, ClinGen allele CA5789800.

ClinVar aggregate classification (germline): Likely benign. Review status: criteria provided, multiple submitters, no conflicts (2 of 4 stars). 3 submissions from 3 submitters: Likely benign (2). 1 of the submissions does not count toward it. Last evaluated 2025-09-01.

Conditions:
PIDD1-related disorder. Also called: PIDD1-related condition.

Allele frequency attached by ClinVar (database versions not stated): gnomAD exomes 0.00006; ExAC 0.00011; gnomAD 0.00022; ESP Exome Variant Server 0.00023; TOPMed 0.00024.
gnomAD v4.1: 117 of 1,608,062 alleles (0.0073%); highest among the groups gnomAD compares: African/African-American, 0.051%; no homozygotes.

Submissions (3):

CeGaT Center for Human Genetics Tuebingen
Classification: Likely benign. Last evaluated: 2025-09-01. Review status: criteria provided, single submitter. Criteria: CeGaT Center For Human Genetics Tuebingen Variant Classification Criteria Version 2. Collection method: clinical testing. Allele origin: germline. Affected: yes. Observed: 1 variant allele.
Comment: PIDD1: BP4, BP7

Blueprint Genetics
Classification: Likely benign. Last evaluated: 2024-10-08. Review status: criteria provided, single submitter. Criteria: ACMG Guidelines, 2015. Collection method: clinical testing. Allele origin: germline.

PreventionGenetics, part of Exact Sciences
Classification: Likely benign for PIDD1-related condition. Last evaluated: 2019-11-26. Review status: no assertion criteria provided. Collection method: clinical testing. Allele origin: germline. Not counted in ClinVar's aggregate classification.
Comment: This variant is classified as likely benign based on ACMG/AMP sequence variant interpretation guidelines (Richards et al. 2015 PMID: 25741868, with internal and published modifications).